The following is an entry in ClinVar:

NM_000093.5(COL5A1):c.5036C>A (p.Thr1679Lys)

Genes: COL5A1 (collagen type V alpha 1 chain; plus strand), LOC101448202 (uncharacterized LOC101448202; minus strand). Cytogenetic location: 9q34.3.
Variant type: single nucleotide variant.
Coding change: c.5036C>A on transcript NM_000093.5 (MANE Select); coding-DNA position 5036, C replaced by A.
Protein change: p.Thr1679Lys; replaces threonine 1679 with lysine.
Molecular consequence: missense variant.
Genome position (GRCh38, 1-based): chr9:134,825,873, C>A. VCF-style: chr9-134825873-C-A. GRCh37 (hg19) VCF-style: chr9-137717719-C-A.
Other names: c.5036C>A, p.Thr1679Lys (NM_001278074.1); short protein forms T1679K.
Identifiers: ClinVar variation 519655 (VCV000519655.14), dbSNP rs1554808365, ClinGen allele CA375458997.

ClinVar aggregate classification (germline): Uncertain significance. Review status: criteria provided, multiple submitters, no conflicts (2 of 4 stars). 2 submissions from 2 submitters: Uncertain significance (2). Last evaluated 2021-01-16.

Conditions:
Familial thoracic aortic aneurysm and aortic dissection (TAAD). Also called: Thoracic aortic aneurysms and dissections. Identifiers: Orphanet 91387, MedGen C4707243, MONDO:0019625.
Ehlers-Danlos syndrome, classic type, 1 (EDSCL1). Also called: Ehlers-Danlos Syndrome, Classic Type, COL5A1-Related; EDS I; Ehlers-Danlos syndrome, type 1; EHLERS-DANLOS SYNDROME, GRAVIS TYPE; EHLERS-DANLOS SYNDROME, SEVERE CLASSIC TYPE. Identifiers: MedGen C0268335, MONDO:0019567, OMIM 130000.

Submissions (2):

Labcorp Genetics (formerly Invitae), Labcorp
Classification: Uncertain significance for Ehlers-Danlos syndrome, classic type, 1. Last evaluated: 2021-01-16. Review status: criteria provided, single submitter. Criteria: Invitae Variant Classification Sherloc (09022015). Collection method: clinical testing. Allele origin: germline.
Comment: This variant is not present in population databases (ExAC no frequency). This variant has been observed in individual(s) with clinical features of Ehlers-Danlos syndrome (Invitae). ClinVar contains an entry for this variant (Variation ID: 519655). Advanced modeling of protein sequence and biophysical properties (such as structural, functional, and spatial information, amino acid conservation, physicochemical variation, residue mobility, and thermodynamic stability) performed at Invitae indicates that this missense variant is not expected to disrupt COL5A1 protein function. In summary, the available evidence is currently insufficient to determine the role of this variant in disease. Therefore, it has been classified as a Variant of Uncertain Significance. This sequence change replaces threonine with lysine at codon 1679 of the COL5A1 protein (p.Thr1679Lys). The threonine residue is moderately conserved and there is a moderate physicochemical difference between threonine and lysine.

Ambry Genetics
Classification: Uncertain significance for Familial thoracic aortic aneurysm and aortic dissection. Last evaluated: 2017-07-14. Review status: criteria provided, single submitter. Criteria: Ambry Variant Classification Scheme 2023. Collection method: clinical testing. Allele origin: germline.
Comment: The p.T1679K variant (also known as c.5036C>A), located in coding exon 63 of the COL5A1 gene, results from a C to A substitution at nucleotide position 5036. The threonine at codon 1679 is replaced by lysine, an amino acid with similar properties. This amino acid position is not well conserved in available vertebrate species. In addition, the in silico prediction for this alteration is inconclusive. Since supporting evidence is limited at this time, the clinical significance of this alteration remains unclear.